The following is an entry in ClinVar:

NM_001348768.2(HECW2):c.2689+1G>T

Gene: HECW2 (HECT, C2 and WW domain containing E3 ubiquitin protein ligase 2; minus strand). Cytogenetic location: 2q32.3.
Variant type: single nucleotide variant.
Coding change: c.2689+1G>T on transcript NM_001348768.2 (MANE Select); the canonical splice donor site of the intron after coding-DNA position 2689, G replaced by T.
Molecular consequence: splice donor variant.
Genome position (GRCh38, 1-based): chr2:196,307,129, C>A on the plus strand (G>T on the coding strand, the complement: HECW2 is on the minus strand). VCF-style: chr2-196307129-C-A. GRCh37 (hg19) VCF-style: chr2-197171853-C-A.
Other names: c.2689+1G>T (NM_020760.4); c.1621+1G>T (NM_001304840.3).
Identifiers: ClinVar variation 3367316 (VCV003367316.1).

ClinVar aggregate classification (germline): Uncertain significance (1 of 4 stars; one submission).

Submission:

GeneDx
Classification: Uncertain significance. Last evaluated: 2024-01-02. Review status: criteria provided, single submitter. Criteria: GeneDx Variant Classification Process June 2021. Collection method: clinical testing. Allele origin: germline. Affected: yes.
Comment: Not observed at significant frequency in large population cohorts (gnomAD); Has not been previously published as pathogenic or benign to our knowledge; Canonical splice site variant in a gene for which loss-of-function is not a known mechanism of disease